The following is an entry in ClinVar:

ClinVar aggregate classification (germline): Uncertain significance (1 of 4 stars; one submission).

Conditions:
Leukocyte adhesion deficiency 1 (LAD1). Also called: LEUKOCYTE ADHESION DEFICIENCY, TYPE I; LAD 1; Lymphocyte function-associated antigen 1 immunodeficiency; LFA 1 immunodeficiency. Identifiers: Orphanet 2968, Orphanet 99842, MedGen C0398738, MONDO:0007293, OMIM 116920.

Submission:

Labcorp Genetics (formerly Invitae), Labcorp
Classification: Uncertain significance for Leukocyte adhesion deficiency 1. Last evaluated: 2022-03-17. Review status: criteria provided, single submitter. Criteria: Invitae Variant Classification Sherloc (09022015). Collection method: clinical testing. Allele origin: germline.
Comment: In summary, the available evidence is currently insufficient to determine the role of this variant in disease. Therefore, it has been classified as a Variant of Uncertain Significance. Algorithms developed to predict the effect of missense changes on protein structure and function (SIFT, PolyPhen-2, Align-GVGD) all suggest that this variant is likely to be disruptive. This variant has not been reported in the literature in individuals affected with ITGB2-related conditions. This variant is not present in population databases (gnomAD no frequency). This sequence change replaces threonine, which is neutral and polar, with isoleucine, which is neutral and non-polar, at codon 118 of the ITGB2 protein (p.Thr118Ile).

NM_000211.5(ITGB2):c.353C>T (p.Thr118Ile)

Gene: ITGB2 (integrin subunit beta 2; minus strand). Cytogenetic location: 21q22.3.
Variant type: single nucleotide variant.
Coding change: c.353C>T on transcript NM_000211.5 (MANE Select); coding-DNA position 353, C replaced by T.
Protein change: p.Thr118Ile; replaces threonine 118 with isoleucine.
Molecular consequence: missense variant.
Genome position (GRCh38, 1-based): chr21:44,903,511, G>A on the plus strand (C>T on the coding strand, the complement: ITGB2 is on the minus strand). VCF-style: chr21-44903511-G-A. GRCh37 (hg19) VCF-style: chr21-46323426-G-A.
Other names: c.353C>T, p.Thr118Ile (NM_001127491.3); c.146C>T, p.Thr49Ile (NM_001303238.2); short protein forms T118I, T49I.
Identifiers: ClinVar variation 1921843 (VCV001921843.5), dbSNP rs758449686, ClinGen allele CA321852097.
Genomic context (GRCh38, chr21:44,903,511, plus strand): 5'-GAGTAGGAGAGGTCCATCAGATAGTACAGGTCGATGGGGTAGCCCTTGGCCCGCCGGAAG[G>A]TCACGTTGAACGCTGCTGCCTGGCCTGCCGGTGGGGACAGAACAAAAGGAGCCACACCTC-3'
Protein context (NP_000202.3, residues 108-128): RPGQAAAFNV[Thr118Ile]FRRAKGYPID